The following is an entry in ClinVar:

ClinVar aggregate classification (germline): Uncertain significance. Review status: reviewed by expert panel (3 of 4 stars). 2 submissions from 2 submitters: Uncertain significance (1). 1 of the submissions does not count toward it. Last evaluated 2025-07-11.

Conditions:
Hereditary thrombocytopenia and hematologic cancer predisposition syndrome. Identifiers: Orphanet 71290, MedGen CN281654, MONDO:0011071.
Inborn genetic diseases. Identifiers: MedGen C0950123, MeSH D030342.

Submissions (2):

ClinGen Myeloid Malignancy Variant Curation Expert Panel
Classification: Uncertain significance for Hereditary thrombocytopenia and hematologic cancer predisposition syndrome. Last evaluated: 2025-07-11. Review status: reviewed by expert panel. Criteria: ClinGen MyeloMalig ACMG Specifications v2. Collection method: curation. Allele origin: germline. Inheritance: Autosomal dominant inheritance.
Comment: NM_001754.5(RUNX1):c.20T>C (p.Phe7Ser) is a missense variant which is completely absent from all population databases with at least 20x coverage for RUNX1 (PM2_Supporting). In summary, the clinical significance of this variant is uncertain. ACMG/AMP criteria applied, as specified by the Myeloid Malignancy Variant Curation Expert Panel for RUNX1: PM2_supporting.

Ambry Genetics
Classification: Uncertain significance for Inborn genetic diseases. Last evaluated: 2024-12-22. Review status: criteria provided, single submitter. Criteria: Ambry Variant Classification Scheme 2023. Collection method: clinical testing. Allele origin: germline. Not counted in ClinVar's aggregate classification.
Comment: The p.F7S variant (also known as c.20T>C), located in coding exon 1 of the RUNX1 gene, results from a T to C substitution at nucleotide position 20. The phenylalanine at codon 7 is replaced by serine, an amino acid with highly dissimilar properties. This amino acid position is conserved. In addition, this alteration is predicted to be deleterious by in silico analysis. Based on the available evidence, the clinical significance of this variant remains unclear.

NM_001754.5(RUNX1):c.20T>C (p.Phe7Ser)

Gene: RUNX1 (RUNX family transcription factor 1; minus strand). Cytogenetic location: 21q22.12.
Variant type: single nucleotide variant.
Coding change: c.20T>C on transcript NM_001754.5 (MANE Select); coding-DNA position 20, T replaced by C.
Protein change: p.Phe7Ser; replaces phenylalanine 7 with serine.
Molecular consequence: missense variant.
Genome position (GRCh38, 1-based): chr21:35,048,880, A>G on the plus strand (T>C on the coding strand, the complement: RUNX1 is on the minus strand). VCF-style: chr21-35048880-A-G. GRCh37 (hg19) VCF-style: chr21-36421177-A-G.
Other names: NM_001754.5(RUNX1):c.20T>C; p.Phe7Ser; short protein forms F7S.
Identifiers: ClinVar variation 3791468 (VCV003791468.1).